The following is an entry in ClinVar:

NM_001042492.3(NF1):c.8062G>T (p.Val2688Leu)

Gene: NF1 (neurofibromin 1; plus strand). Cytogenetic location: 17q11.2.
Variant type: single nucleotide variant.
Coding change: c.8062G>T on transcript NM_001042492.3 (MANE Select); coding-DNA position 8062, G replaced by T.
Protein change: p.Val2688Leu; replaces valine 2688 with leucine.
Molecular consequence: missense variant.
Genome position (GRCh38, 1-based): chr17:31,358,571, G>T. VCF-style: chr17-31358571-G-T. GRCh37 (hg19) VCF-style: chr17-29685589-G-T.
Other names: c.7999G>T, p.Val2667Leu (NM_000267.4); short protein forms V2688L, V2667L.
Identifiers: ClinVar variation 571104 (VCV000571104.5), dbSNP rs1567627780, ClinGen allele CA399203833.
Genomic context (GRCh38, chr17:31,358,571, plus strand): 5'-CTGTTATCATTGTGCCAAGATCCAAATTTGTTAAATCCAATCCATGGAATTGTGCAGAGT[G>T]TGGTGTACCATGAAGAATCCCCACCACAATACCAAACATCTTACCTGCAAAGTAAATAAA-3'
Protein context (NP_001035957.1, residues 2678-2698): LNPIHGIVQS[Val2688Leu]VYHEESPPQY

ClinVar aggregate classification (germline): Uncertain significance (1 of 4 stars; one submission).

Conditions:
Neurofibromatosis, type 1 (NF1). Also called: Peripheral type neurofibromatosis; VON RECKLINGHAUSEN DISEASE; Neurofibromatosis, type I; NEUROFIBROMATOSIS, TYPE I, SOMATIC. Identifiers: Orphanet 636, MedGen C0027831, MONDO:0018975, OMIM 162200. Disease mechanism: loss of function.

Submission:

Labcorp Genetics (formerly Invitae), Labcorp
Classification: Uncertain significance for Neurofibromatosis, type 1. Last evaluated: 2025-09-08. Review status: criteria provided, single submitter. Criteria: Invitae Variant Classification Sherloc (09022015). Collection method: clinical testing. Allele origin: germline.
Comment: This sequence change replaces valine, which is neutral and non-polar, with leucine, which is neutral and non-polar, at codon 2667 of the NF1 protein (p.Val2667Leu). This variant is not present in population databases (gnomAD no frequency). This variant has not been reported in the literature in individuals affected with NF1-related conditions. ClinVar contains an entry for this variant (Variation ID: 571104). Invitae Evidence Modeling of protein sequence and biophysical properties (such as structural, functional, and spatial information, amino acid conservation, physicochemical variation, residue mobility, and thermodynamic stability) has been performed for this missense variant. However, the output from this modeling did not meet the statistical confidence thresholds required to predict the impact of this variant on NF1 protein function. In summary, the available evidence is currently insufficient to determine the role of this variant in disease. Therefore, it has been classified as a Variant of Uncertain Significance.